The following is an entry in ClinVar:

NM_001291415.2(KDM6A):c.133G>C (p.Glu45Gln)

Gene: KDM6A (lysine demethylase 6A; plus strand). Cytogenetic location: Xp11.3.
Variant type: single nucleotide variant.
Coding change: c.133G>C on transcript NM_001291415.2 (MANE Select); coding-DNA position 133, G replaced by C.
Protein change: p.Glu45Gln; replaces glutamic acid 45 with glutamine.
Molecular consequence: missense variant. On other transcripts: 5 prime UTR variant (1), non-coding transcript variant (1).
Genome position (GRCh38, 1-based): chrX:44,873,684, G>C. VCF-style: chrX-44873684-G-C. GRCh37 (hg19) VCF-style: chrX-44732930-G-C.
Other names: c.133G>C, p.Glu45Gln (NM_001291416.2, NM_001291417.2, NM_001291418.2 and 2 more transcripts); c.-500G>C (NM_001291421.2); short protein forms E45Q.
Identifiers: ClinVar variation 1803692 (VCV001803692.1), dbSNP rs1448211324, ClinGen allele CA413020353.

ClinVar aggregate classification (germline): Uncertain significance (1 of 4 stars; one submission).

Submission:

GeneDx
Classification: Uncertain significance. Last evaluated: 2022-06-08. Review status: criteria provided, single submitter. Criteria: GeneDx Variant Classification Process June 2021. Collection method: clinical testing. Allele origin: germline. Affected: yes.
Comment: Not observed at significant frequency in large population cohorts (gnomAD); In silico analysis supports that this missense variant has a deleterious effect on protein structure/function; Has not been previously published as pathogenic or benign to our knowledge